The following is an entry in ClinVar:

NM_000455.5(STK11):c.566C>A (p.Thr189Asn)

Gene: STK11 (serine/threonine kinase 11; plus strand). Cytogenetic location: 19p13.3.
Variant type: single nucleotide variant.
Coding change: c.566C>A on transcript NM_000455.5 (MANE Select); coding-DNA position 566, C replaced by A.
Protein change: p.Thr189Asn; replaces threonine 189 with asparagine.
Molecular consequence: missense variant. On other transcripts: non-coding transcript variant (1).
Genome position (GRCh38, 1-based): chr19:1,220,474, C>A. VCF-style: chr19-1220474-C-A. GRCh37 (hg19) VCF-style: chr19-1220473-C-A.
Other names: c.566C>A, p.Thr189Asn (NM_001407255.1); short protein forms T189N.
Identifiers: ClinVar variation 3072667 (VCV003072667.3), dbSNP rs587781515, ClinGen allele CA402949208.
Genomic context (GRCh38, chr19:1,220,474, plus strand): 5'-GCCAGGGCATTGTGCACAAGGACATCAAGCCGGGGAACCTGCTGCTCACCACCGGTGGCA[C>A]CCTCAAAATCTCCGACCTGGGCGTGGCCGAGGTAGGCACGTGCTAGGGGGGGCCCTGGGG-3'
Protein context (NP_000446.1, residues 179-199): PGNLLLTTGG[Thr189Asn]LKISDLGVAE

ClinVar aggregate classification (germline): Uncertain significance. Review status: criteria provided, multiple submitters, no conflicts (2 of 4 stars). 2 submissions from 2 submitters: Uncertain significance (2). Last evaluated 2024-06-20.

Conditions:
Peutz-Jeghers syndrome (PJS). Also called: POLYPOSIS, HAMARTOMATOUS INTESTINAL; POLYPS-AND-SPOTS SYNDROME; Peutz-Jeghers polyposis; Periorificial lentiginosis syndrome. Identifiers: Orphanet 2869, MedGen C0031269, MeSH D010580, MONDO:0008280, OMIM 175200.

Submissions (2):

Labcorp Genetics (formerly Invitae), Labcorp
Classification: Uncertain significance for Peutz-Jeghers syndrome. Last evaluated: 2024-06-20. Review status: criteria provided, single submitter. Criteria: Invitae Variant Classification Sherloc (09022015). Collection method: clinical testing. Allele origin: germline.
Comment: This sequence change replaces threonine, which is neutral and polar, with asparagine, which is neutral and polar, at codon 189 of the STK11 protein (p.Thr189Asn). This variant is not present in population databases (gnomAD no frequency). This variant has not been reported in the literature in individuals affected with STK11-related conditions. Advanced modeling of protein sequence and biophysical properties (such as structural, functional, and spatial information, amino acid conservation, physicochemical variation, residue mobility, and thermodynamic stability) has been performed at Invitae for this missense variant, however the output from this modeling did not meet the statistical confidence thresholds required to predict the impact of this variant on STK11 protein function. In summary, the available evidence is currently insufficient to determine the role of this variant in disease. Therefore, it has been classified as a Variant of Uncertain Significance.

All of Us Research Program, National Institutes of Health
Classification: Uncertain significance for Peutz-Jeghers syndrome. Last evaluated: 2023-08-15. Review status: criteria provided, single submitter. Criteria: ACMG Guidelines, 2015. Collection method: clinical testing. Allele origin: germline. Inheritance: Autosomal dominant inheritance. Observed: 1 variant allele, 1 heterozygote.
Comment: This missense variant replaces threonine with asparagine at codon 189 of the STK11 protein. Computational prediction suggests that this variant may not impact protein structure and function (internally defined REVEL score threshold <= 0.5, PMID: 27666373). To our knowledge, functional studies have not been reported for this variant. This variant has not been reported in individuals affected with STK11-related disorders in the literature. This variant has not been identified in the general population by the Genome Aggregation Database (gnomAD). The available evidence is insufficient to determine the role of this variant in disease conclusively. Therefore, this variant is classified as a Variant of Uncertain Significance.

This study involves interpretation of variants in research participants for the purpose of population health screening. Participant phenotype was not available at the time of variant classification. Additional details can be found in publication PMID: 35346344, PMCID: PMC8962531